The following is an entry in ClinVar:

NM_005612.5(REST):c.919G>A (p.Glu307Lys)

Gene: REST (RE1 silencing transcription factor; plus strand). Cytogenetic location: 4q12.
Variant type: single nucleotide variant.
Coding change: c.919G>A on transcript NM_005612.5 (MANE Select); coding-DNA position 919, G replaced by A.
Protein change: p.Glu307Lys; replaces glutamic acid 307 with lysine.
Molecular consequence: missense variant.
Genome position (GRCh38, 1-based): chr4:56,919,807, G>A. VCF-style: chr4-56919807-G-A. GRCh37 (hg19) VCF-style: chr4-57785973-G-A.
Other names: c.919G>A, p.Glu307Lys (NM_001193508.2, NM_001363453.3); short protein forms E307K.
Identifiers: ClinVar variation 1349072 (VCV001349072.8), dbSNP rs757320743, ClinGen allele CA357005195.

ClinVar aggregate classification (germline): Uncertain significance (1 of 4 stars; one submission).

Submission:

Labcorp Genetics (formerly Invitae), Labcorp
Classification: Uncertain significance. Last evaluated: 2021-04-09. Review status: criteria provided, single submitter. Criteria: Invitae Variant Classification Sherloc (09022015). Collection method: clinical testing. Allele origin: germline.
Comment: In summary, the available evidence is currently insufficient to determine the role of this variant in disease. Therefore, it has been classified as a Variant of Uncertain Significance. Algorithms developed to predict the effect of missense changes on protein structure and function (SIFT, PolyPhen-2, Align-GVGD) all suggest that this variant is likely to be tolerated, but these predictions have not been confirmed by published functional studies and their clinical significance is uncertain. This variant has not been reported in the literature in individuals with REST-related conditions. This variant is not present in population databases (ExAC no frequency). This sequence change replaces glutamic acid with lysine at codon 307 of the REST protein (p.Glu307Lys). The glutamic acid residue is highly conserved and there is a small physicochemical difference between glutamic acid and lysine.